The following is an entry in ClinVar:

ClinVar aggregate classification (germline): Uncertain significance (1 of 4 stars; one submission).

Conditions:
Hereditary hemorrhagic telangiectasia (HHT). Also called: ORW DISEASE; Osler Weber Rendu syndrome; OSLER-RENDU-WEBER DISEASE; Osler hemorrhagic telangiectasia syndrome. Identifiers: Orphanet 774, MedGen C0039445, MONDO:0019180. Disease mechanism: loss of function.

Submission:

Labcorp Genetics (formerly Invitae), Labcorp
Classification: Uncertain significance for Hereditary hemorrhagic telangiectasia. Last evaluated: 2023-11-29. Review status: criteria provided, single submitter. Criteria: Invitae Variant Classification Sherloc (09022015). Collection method: clinical testing. Allele origin: germline.
Comment: This sequence change replaces leucine, which is neutral and non-polar, with proline, which is neutral and non-polar, at codon 454 of the ENG protein (p.Leu454Pro). This variant is not present in population databases (gnomAD no frequency). This variant has not been reported in the literature in individuals affected with ENG-related conditions. Advanced modeling of protein sequence and biophysical properties (such as structural, functional, and spatial information, amino acid conservation, physicochemical variation, residue mobility, and thermodynamic stability) performed at Invitae indicates that this missense variant is expected to disrupt ENG protein function with a positive predictive value of 80%. In summary, the available evidence is currently insufficient to determine the role of this variant in disease. Therefore, it has been classified as a Variant of Uncertain Significance.

NM_001114753.3(ENG):c.1361T>C (p.Leu454Pro)

Genes: ENG (endoglin; minus strand), LOC102723566 (uncharacterized LOC102723566; plus strand). Cytogenetic location: 9q34.11.
Variant type: single nucleotide variant.
Coding change: c.1361T>C on transcript NM_001114753.3 (MANE Select); coding-DNA position 1361, T replaced by C.
Protein change: p.Leu454Pro; replaces leucine 454 with proline.
Molecular consequence: missense variant.
Genome position (GRCh38, 1-based): chr9:127,818,783, A>G on the plus strand (T>C on the coding strand, the complement: ENG is on the minus strand). VCF-style: chr9-127818783-A-G. GRCh37 (hg19) VCF-style: chr9-130581062-A-G.
Other names: c.1361T>C, p.Leu454Pro (NM_000118.4); c.815T>C, p.Leu272Pro (NM_001278138.2); short protein forms L454P, L272P.
Identifiers: ClinVar variation 2699667 (VCV002699667.3), dbSNP rs1475118361, ClinGen allele CA374977491.
Genomic context (GRCh38, chr9:127,818,783, plus strand): 5'-AAGCTCTGCTGCCCCGGCTCGATGGTGTTGGAGGCCTGGAGGAAGTGTGGGCTGAGGTAG[A>G]GGCCCAGCTGGAAAGAGAGGCTGTCCATGTTGAGGCAGTGCACCTTTTTCTGGGGGAGGA-3'
Protein context (NP_001108225.1, residues 444-464): NMDSLSFQLG[Leu454Pro]YLSPHFLQAS